The following is an entry in ClinVar:

ClinVar aggregate classification (germline): Uncertain significance (1 of 4 stars; one submission).

Conditions:
Hereditary cancer-predisposing syndrome. Also called: Neoplastic Syndromes, Hereditary; Hereditary Cancer Syndrome; Hereditary neoplastic syndrome; Tumor predisposition. Identifiers: Orphanet 140162, MedGen C0027672, MeSH D009386, MONDO:0015356.

Submission:

Ambry Genetics
Classification: Uncertain significance for Hereditary cancer-predisposing syndrome. Last evaluated: 2023-04-18. Review status: criteria provided, single submitter. Criteria: Ambry Variant Classification Scheme 2023. Collection method: clinical testing. Allele origin: germline.
Comment: The p.C506F variant (also known as c.1517G>T), located in coding exon 10 of the FLCN gene, results from a G to T substitution at nucleotide position 1517. The cysteine at codon 506 is replaced by phenylalanine, an amino acid with highly dissimilar properties. This amino acid position is conserved. In addition, this alteration is predicted to be deleterious by in silico analysis. Since supporting evidence is limited at this time, the clinical significance of this alteration remains unclear.

NM_144997.7(FLCN):c.1517G>T (p.Cys506Phe)

Gene: FLCN (folliculin; minus strand). Cytogenetic location: 17p11.2.
Variant type: single nucleotide variant.
Coding change: c.1517G>T on transcript NM_144997.7 (MANE Select); coding-DNA position 1517, G replaced by T.
Protein change: p.Cys506Phe; replaces cysteine 506 with phenylalanine.
Molecular consequence: missense variant.
Genome position (GRCh38, 1-based): chr17:17,215,006, C>A on the plus strand (G>T on the coding strand, the complement: FLCN is on the minus strand). VCF-style: chr17-17215006-C-A. GRCh37 (hg19) VCF-style: chr17-17118320-C-A.
Other names: c.1571G>T, p.Cys524Phe (NM_001353229.2); c.1517G>T, p.Cys506Phe (NM_001353230.2, NM_001353231.2); short protein forms C524F, C506F.
Identifiers: ClinVar variation 2566318 (VCV002566318.2), dbSNP rs2544140906, ClinGen allele CA398530752.